The following is an entry in ClinVar:

ClinVar aggregate classification (germline): Conflicting classifications of pathogenicity. Review status: criteria provided, conflicting classifications (1 of 4 stars). 5 submissions from 4 submitters: Uncertain significance (1); Likely benign (4). Last evaluated 2026-01-28.

Conditions:
Alpha-N-acetylgalactosaminidase deficiency type 2. Also called: ALPHA-N-ACETYLGALACTOSAMINIDASE DEFICIENCY, TYPE II; NAGA DEFICIENCY, TYPE II; SCHINDLER DISEASE, TYPE II. Identifiers: Orphanet 3137, Orphanet 79280, MedGen C1836522, MONDO:0012222, OMIM 609242.
Alpha-N-acetylgalactosaminidase deficiency type 1. Also called: SCHINDLER DISEASE, TYPE I; ALPHA-N-ACETYLGALACTOSAMINIDASE DEFICIENCY, TYPE I; NAGA DEFICIENCY, TYPE I; NEUROAXONAL DYSTROPHY, SCHINDLER TYPE. Identifiers: Orphanet 3137, Orphanet 79279, Orphanet 79281, MedGen C1836544, MONDO:0012221, OMIM 609241.
Inborn genetic diseases. Identifiers: MedGen C0950123, MeSH D030342.

Allele frequency attached by ClinVar (database versions not stated): gnomAD 0.00013; ESP Exome Variant Server 0.00015; 1000 Genomes Project 30x 0.00016; TOPMed 0.00052; ExAC 0.00055.
gnomAD v4.1: 433 of 1,614,088 alleles (0.027%); highest among the groups gnomAD compares: Admixed American, 0.31%; 2 homozygotes.

Submissions (5):

Labcorp Genetics (formerly Invitae), Labcorp
Classification: Likely benign for Alpha-N-acetylgalactosaminidase deficiency type 1. Last evaluated: 2026-01-28. Review status: criteria provided, single submitter. Criteria: Invitae Variant Classification Sherloc (09022015). Collection method: clinical testing. Allele origin: germline.

Ambry Genetics
Classification: Likely benign for Inborn genetic diseases. Last evaluated: 2024-10-25. Review status: criteria provided, single submitter. Criteria: Ambry Variant Classification Scheme 2023. Collection method: clinical testing. Allele origin: germline.

Mayo Clinic Laboratories, Mayo Clinic
Classification: Uncertain significance. Last evaluated: 2019-11-11. Review status: criteria provided, single submitter. Criteria: ACMG Guidelines, 2015. Collection method: clinical testing. Allele origin: germline. Observed: 1 variant allele.

Illumina Laboratory Services, Illumina
Classification: Likely benign for Alpha-N-acetylgalactosaminidase deficiency type 2. Last evaluated: 2018-01-13. Review status: criteria provided, single submitter. Criteria: ICSL Variant Classification Criteria 13 December 2019. Collection method: clinical testing. Allele origin: germline.
Comment: This variant was observed in the ICSL laboratory as part of a predisposition screen in an ostensibly healthy population. It had not been previously curated by ICSL or reported in the Human Gene Mutation Database (HGMD: prior to June 1st, 2018), and was therefore a candidate for classification through an automated scoring system. Utilizing variant allele frequency, disease prevalence and penetrance estimates, and inheritance mode, an automated score was calculated to assess if this variant is too frequent to cause the disease. Based on the score and internal cut-off values, a variant classified as likely benign is not then subjected to further curation. The score for this variant resulted in a classification of likely benign for this disease.

Illumina Laboratory Services, Illumina
Classification: Likely benign for Alpha-N-acetylgalactosaminidase deficiency type 1. Last evaluated: 2018-01-13. Review status: criteria provided, single submitter. Criteria: ICSL Variant Classification Criteria 13 December 2019. Collection method: clinical testing. Allele origin: germline.
Comment: the same text as in the submission from Illumina Laboratory Services, Illumina above.

NM_000262.3(NAGA):c.482C>T (p.Thr161Ile)

Genes: NAGA (alpha-N-acetylgalactosaminidase; minus strand), LOC126863160 (CDK7 strongly-dependent group 2 enhancer GRCh37_chr22:42462918-42464117; plus strand). Cytogenetic location: 22q13.2.
Variant type: single nucleotide variant.
Coding change: c.482C>T on transcript NM_000262.3 (MANE Select); coding-DNA position 482, C replaced by T.
Protein change: p.Thr161Ile; replaces threonine 161 with isoleucine.
Molecular consequence: missense variant.
Genome position (GRCh38, 1-based): chr22:42,067,133, G>A on the plus strand (C>T on the coding strand, the complement: NAGA is on the minus strand). VCF-style: chr22-42067133-G-A. GRCh37 (hg19) VCF-style: chr22-42463137-G-A.
Other names: c.482C>T, p.Thr161Ile (NM_001362848.1, NM_001362850.1); short protein forms T161I.
Identifiers: ClinVar variation 782072 (VCV000782072.20), dbSNP rs141557187, ClinGen allele CA10263814.